The following is an entry in ClinVar:

ClinVar aggregate classification (germline): Conflicting classifications of pathogenicity. Review status: criteria provided, conflicting classifications (1 of 4 stars). 2 submissions from 2 submitters: Uncertain significance (1); Likely benign (1). Last evaluated 2023-09-12.

Conditions:
Inborn genetic diseases. Identifiers: MedGen C0950123, MeSH D030342.
Collagen 6-related myopathy. Identifiers: MedGen CN117976, MONDO:0100225.

Allele frequency attached by ClinVar (database versions not stated): gnomAD exomes below 0.00001 and 0.00001; ExAC 0.00002; TOPMed below 0.00001.
gnomAD v4.1: 4 of 1,614,260 alleles (0.00025%); highest among the groups gnomAD compares: South Asian, 0.0033%; no homozygotes.

Submissions (2):

Ambry Genetics
Classification: Uncertain significance for Inborn genetic diseases. Last evaluated: 2023-09-12. Review status: criteria provided, single submitter. Criteria: Ambry Variant Classification Scheme 2023. Collection method: clinical testing. Allele origin: germline.

Illumina Laboratory Services, Illumina
Classification: Likely benign for Collagen VI-related myopathy. Last evaluated: 2018-01-12. Review status: criteria provided, single submitter. Criteria: ICSL Variant Classification Criteria 13 December 2019. Collection method: clinical testing. Allele origin: germline.
Comment: This variant was observed in the ICSL laboratory as part of a predisposition screen in an ostensibly healthy population. It had not been previously curated by ICSL or reported in the Human Gene Mutation Database (HGMD: prior to June 1st, 2018), and was therefore a candidate for classification through an automated scoring system. Utilizing variant allele frequency, disease prevalence and penetrance estimates, and inheritance mode, an automated score was calculated to assess if this variant is too frequent to cause the disease. Based on the score and internal cut-off values, a variant classified as likely benign is not then subjected to further curation. The score for this variant resulted in a classification of likely benign for this disease.

NM_004369.4(COL6A3):c.2027T>G (p.Ile676Ser)

Gene: COL6A3 (collagen type VI alpha 3 chain; minus strand). Cytogenetic location: 2q37.3.
Variant type: single nucleotide variant.
Coding change: c.2027T>G on transcript NM_004369.4 (MANE Select); coding-DNA position 2027, T replaced by G.
Protein change: p.Ile676Ser; replaces isoleucine 676 with serine.
Molecular consequence: missense variant. On other transcripts: intron variant (1).
Genome position (GRCh38, 1-based): chr2:237,379,106, A>C on the plus strand (T>G on the coding strand, the complement: COL6A3 is on the minus strand). VCF-style: chr2-237379106-A-C. GRCh37 (hg19) VCF-style: chr2-238287749-A-C.
Other names: c.806T>G, p.Ile269Ser (NM_057164.5); c.1409T>G, p.Ile470Ser (NM_057165.5, NM_057167.4); c.677-1762T>G (NM_057166.5); short protein forms I676S, I269S, I470S.
Identifiers: ClinVar variation 335136 (VCV000335136.7), dbSNP rs771749492, ClinGen allele CA2189494.